The following is an entry in ClinVar:

ClinVar aggregate classification (germline): Uncertain significance. Review status: criteria provided, multiple submitters, no conflicts (2 of 4 stars). 2 submissions from 2 submitters: Uncertain significance (2). Last evaluated 2024-09-02.

Conditions:
Dilated Cardiomyopathy, Recessive.

Allele frequency attached by ClinVar (database versions not stated): gnomAD exomes 0.00016 and 0.00027; ExAC 0.00018; TOPMed 0.00046.
gnomAD v4.1: 290 of 1,602,722 alleles (0.018%); highest among the groups gnomAD compares: Admixed American, 0.16%; 1 homozygote.

Submissions (2):

Labcorp Genetics (formerly Invitae), Labcorp
Classification: Uncertain significance. Last evaluated: 2024-09-02. Review status: criteria provided, single submitter. Criteria: Invitae Variant Classification Sherloc (09022015). Collection method: clinical testing. Allele origin: germline.
Comment: This sequence change replaces arginine, which is basic and polar, with histidine, which is basic and polar, at codon 388 of the PLEKHM2 protein (p.Arg388His). This variant is present in population databases (rs750156567, gnomAD 0.1%), and has an allele count higher than expected for a pathogenic variant. This variant has not been reported in the literature in individuals affected with PLEKHM2-related conditions. ClinVar contains an entry for this variant (Variation ID: 860162). An algorithm developed to predict the effect of missense changes on protein structure and function outputs the following: PolyPhen-2: "Benign". The histidine amino acid residue is found in multiple mammalian species, which suggests that this missense change does not adversely affect protein function. In summary, the available evidence is currently insufficient to determine the role of this variant in disease. Therefore, it has been classified as a Variant of Uncertain Significance.

Ambry Genetics
Classification: Uncertain significance. Last evaluated: 2024-08-14. Review status: criteria provided, single submitter. Criteria: Ambry Variant Classification Scheme 2023. Collection method: clinical testing. Allele origin: germline.

NM_015164.4(PLEKHM2):c.1163G>A (p.Arg388His)

Gene: PLEKHM2 (pleckstrin homology and RUN domain containing M2; plus strand). Cytogenetic location: 1p36.21.
Variant type: single nucleotide variant.
Coding change: c.1163G>A on transcript NM_015164.4 (MANE Select); coding-DNA position 1163, G replaced by A.
Protein change: p.Arg388His; replaces arginine 388 with histidine.
Molecular consequence: missense variant.
Genome position (GRCh38, 1-based): chr1:15,727,235, G>A. VCF-style: chr1-15727235-G-A. GRCh37 (hg19) VCF-style: chr1-16053730-G-A.
Other names: short protein forms R388H.
Identifiers: ClinVar variation 860162 (VCV000860162.7), dbSNP rs750156567, ClinGen allele CA616876.